The following is an entry in ClinVar:

ClinVar aggregate classification (germline): Uncertain significance (1 of 4 stars; one submission).

Conditions:
Duchenne muscular dystrophy (DMD). Also called: MUSCULAR DYSTROPHY, PSEUDOHYPERTROPHIC PROGRESSIVE, DUCHENNE TYPE; Duchenne Muscular Dystrophy (DMD). Identifiers: Orphanet 98896, MedGen C0013264, MONDO:0010679, OMIM 310200.

Submission:

Labcorp Genetics (formerly Invitae), Labcorp
Classification: Uncertain significance for Duchenne muscular dystrophy. Last evaluated: 2024-02-20. Review status: criteria provided, single submitter. Criteria: Invitae Variant Classification Sherloc (09022015). Collection method: clinical testing. Allele origin: germline.
Comment: This sequence change replaces threonine, which is neutral and polar, with serine, which is neutral and polar, at codon 3201 of the DMD protein (p.Thr3201Ser). This variant is not present in population databases (gnomAD no frequency). This variant has not been reported in the literature in individuals affected with DMD-related conditions. Advanced modeling of protein sequence and biophysical properties (such as structural, functional, and spatial information, amino acid conservation, physicochemical variation, residue mobility, and thermodynamic stability) performed at Invitae indicates that this missense variant is not expected to disrupt DMD protein function with a negative predictive value of 95%. In summary, the available evidence is currently insufficient to determine the role of this variant in disease. Therefore, it has been classified as a Variant of Uncertain Significance.

NM_004006.3(DMD):c.9602C>G (p.Thr3201Ser)

Gene: DMD (dystrophin; minus strand). Cytogenetic location: Xp21.2.
Variant type: single nucleotide variant.
Coding change: c.9602C>G on transcript NM_004006.3 (MANE Select); coding-DNA position 9602, C replaced by G.
Protein change: p.Thr3201Ser; replaces threonine 3201 with serine.
Molecular consequence: missense variant.
Genome position (GRCh38, 1-based): chrX:31,206,629, G>C on the plus strand (C>G on the coding strand, the complement: DMD is on the minus strand). VCF-style: chrX-31206629-G-C. GRCh37 (hg19) VCF-style: chrX-31224746-G-C.
Other names: c.9578C>G, p.Thr3193Ser (NM_000109.4); c.9590C>G, p.Thr3197Ser (NM_004009.3); c.9233C>G, p.Thr3078Ser (NM_004010.3); c.5579C>G, p.Thr1860Ser (NM_004011.4); c.5570C>G, p.Thr1857Ser (NM_004012.4); c.2222C>G, p.Thr741Ser (NM_004013.3, NM_004020.4, NM_004021.3 and 2 more transcripts); c.1415C>G, p.Thr472Ser (NM_004014.3); c.398C>G, p.Thr133Ser (NM_004015.3, NM_004016.3, NM_004017.3 and 2 more transcripts); short protein forms T3193S, T3201S, T741S, T3197S, T472S, T3078S, T133S, T1857S.
Identifiers: ClinVar variation 2995035 (VCV002995035.3), dbSNP rs2521252916, ClinGen allele CA412649516.
Genomic context (GRCh38, chrX:31,206,629, plus strand): 5'-ATACACGACTTACATCTGTACTTGTCTTCCAAATGTGCTTTACACAGGGAAATGATGCCA[G>C]TTTTAAAAGACAGGACACGGATCCTCCCTGTTCGTCCCCTATTATGAAGAATCAAAGCAG-3'
Protein context (NP_003997.2, residues 3191-3211): TGRIRVLSFK[Thr3201Ser]GIISLCKAHL